The following is an entry in ClinVar:

ClinVar aggregate classification (germline): Uncertain significance (1 of 4 stars; one submission).

Submission:

Labcorp Genetics (formerly Invitae), Labcorp
Classification: Uncertain significance. Last evaluated: 2022-07-17. Review status: criteria provided, single submitter. Criteria: Invitae Variant Classification Sherloc (09022015). Collection method: clinical testing. Allele origin: germline.
Comment: This sequence change replaces lysine, which is basic and polar, with asparagine, which is neutral and polar, at codon 247 of the RETREG1 protein (p.Lys247Asn). This variant is not present in population databases (gnomAD no frequency). This variant has not been reported in the literature in individuals affected with RETREG1-related conditions. Algorithms developed to predict the effect of missense changes on protein structure and function are either unavailable or do not agree on the potential impact of this missense change (SIFT: "Deleterious"; PolyPhen-2: "Probably Damaging"; Align-GVGD: "Class C0"). In summary, the available evidence is currently insufficient to determine the role of this variant in disease. Therefore, it has been classified as a Variant of Uncertain Significance.

NM_001034850.3(RETREG1):c.741G>T (p.Lys247Asn)

Gene: RETREG1 (reticulophagy regulator 1; minus strand). Cytogenetic location: 5p15.1.
Variant type: single nucleotide variant.
Coding change: c.741G>T on transcript NM_001034850.3 (MANE Select); coding-DNA position 741, G replaced by T.
Protein change: p.Lys247Asn; replaces lysine 247 with asparagine.
Molecular consequence: missense variant.
Genome position (GRCh38, 1-based): chr5:16,478,917, C>A on the plus strand (G>T on the coding strand, the complement: RETREG1 is on the minus strand). VCF-style: chr5-16478917-C-A. GRCh37 (hg19) VCF-style: chr5-16479026-C-A.
Other names: c.318G>T, p.Lys106Asn (NM_019000.5); short protein forms K247N, K106N.
Identifiers: ClinVar variation 1934843 (VCV001934843.5), dbSNP rs2477470306, ClinGen allele CA359258582.